The following is an entry in ClinVar:

NM_005732.4(RAD50):c.3722_3725dup (p.Glu1243fs)

Genes: TH2LCRR (T helper type 2 locus control region associated RNA; minus strand), TH2-LCR (Th2 cytokine locus control region; plus strand), RAD50 (RAD50 double strand break repair protein; plus strand). Cytogenetic location: 5q31.1.
Variant type: Duplication.
Coding change: c.3722_3725dup on transcript NM_005732.4 (MANE Select); coding-DNA positions 3722 to 3725, 4 bases duplicated (ACAT; older notation c.3722_3725dupACAT).
Protein change: p.Glu1243fs; shifts the reading frame from glutamic acid 1243.
Molecular consequence: frameshift variant.
Genome position (GRCh38, 1-based): chr5:132,640,775-132,640,778, ACAT duplicated. VCF-style (leftmost placement, unchanged base first): chr5-132640774-A-AACAT. GRCh37 (hg19) VCF-style: chr5-131976466-A-AACAT.
Other names: short protein forms E1243fs.
Identifiers: ClinVar variation 3429501 (VCV003429501.1).

ClinVar aggregate classification (germline): Likely pathogenic (1 of 4 stars; one submission).

Conditions:
Hereditary cancer-predisposing syndrome. Also called: Neoplastic Syndromes, Hereditary; Tumor predisposition; Hereditary Cancer Syndrome; Hereditary neoplastic syndrome. Identifiers: Orphanet 140162, MedGen C0027672, MeSH D009386, MONDO:0015356.

Submission:

Ambry Genetics
Classification: Likely pathogenic for Hereditary cancer-predisposing syndrome. Last evaluated: 2024-10-08. Review status: criteria provided, single submitter. Criteria: Ambry Variant Classification Scheme 2023. Collection method: clinical testing. Allele origin: germline.
Comment: The c.3722_3725dupACAT variant, located in coding exon 24 of the RAD50 gene, results from a duplication of ACAT at nucleotide position 3722, causing a translational frameshift with a predicted alternate stop codon (p.E1243Hfs*2). This alteration occurs at the 3' terminus of theRAD50 gene, is not expected to trigger nonsense-mediated mRNA decay, and only impacts the last 5.3% of the protein. However, premature stop codons are typically deleterious in nature and a significant portion of the protein is affected and the impacted region is critical for protein function (Ambry internal data). This variant is considered to be rare based on population cohorts in the Genome Aggregation Database (gnomAD). Based on the majority of available evidence to date, this variant is likely to be pathogenic.